The following is an entry in ClinVar:

ClinVar aggregate classification (germline): Pathogenic. Review status: reviewed by expert panel (3 of 4 stars). 3 submissions from 3 submitters: Pathogenic (1). 2 of the submissions do not count toward it. Last evaluated 2016-09-08.

Conditions:
Hereditary breast ovarian cancer syndrome. Also called: Hereditary breast and ovarian cancer syndrome; Hereditary breast and ovarian cancer syndrome (HBOC); BRCA1- and BRCA2-Associated Hereditary Breast and Ovarian Cancer; Breast and ovarian cancer; Hereditary breast and ovarian cancer; Hereditary breast and/or ovarian cancer syndrome. Identifiers: Orphanet 145, MedGen C0677776, MeSH D061325, MONDO:0003582. Disease mechanism: loss of function.
Hereditary cancer-predisposing syndrome. Also called: Hereditary Cancer Syndrome; Hereditary neoplastic syndrome; Tumor predisposition; Neoplastic Syndromes, Hereditary. Identifiers: Orphanet 140162, MedGen C0027672, MeSH D009386, MONDO:0015356.
Breast-ovarian cancer, familial, susceptibility to, 1 (BROVCA1). Also called: OVARIAN CANCER, SUSCEPTIBILITY TO; BRCA1 Hereditary Breast and Ovarian Cancer. Identifiers: Orphanet 145, MedGen C2676676, MONDO:0011450, OMIM 604370. Disease mechanism: loss of function.

Submissions (3):

Evidence-based Network for the Interpretation of Germline Mutant Alleles (ENIGMA)
Classification: Pathogenic for Breast-ovarian cancer, familial, susceptibility to, 1. Last evaluated: 2016-09-08. Review status: reviewed by expert panel. Criteria: ENIGMA BRCA1/2 Classification Criteria (2015). Collection method: curation. Allele origin: germline.
Comment: Variant allele predicted to encode a truncated non-functional protein.

Labcorp Genetics (formerly Invitae), Labcorp
Classification: Pathogenic for Hereditary breast ovarian cancer syndrome. Last evaluated: 2024-11-05. Review status: criteria provided, single submitter. Criteria: Invitae Variant Classification Sherloc (09022015). Collection method: clinical testing. Allele origin: germline. Not counted in ClinVar's aggregate classification.
Comment: This sequence change creates a premature translational stop signal (p.Asp420Argfs*2) in the BRCA1 gene. It is expected to result in an absent or disrupted protein product. Loss-of-function variants in BRCA1 are known to be pathogenic (PMID: 20104584). This variant is not present in population databases (gnomAD no frequency). This variant has not been reported in the literature in individuals affected with BRCA1-related conditions. ClinVar contains an entry for this variant (Variation ID: 186634). For these reasons, this variant has been classified as Pathogenic.

Ambry Genetics
Classification: Pathogenic for Hereditary cancer-predisposing syndrome. Last evaluated: 2014-10-09. Review status: criteria provided, single submitter. Criteria: Ambry Variant Classification Scheme 2023. Collection method: clinical testing. Allele origin: germline. Not counted in ClinVar's aggregate classification.
Comment: The c.1256dupT pathogenic mutation, located in coding exon 9 of the BRCA1 gene, results from a duplication of T at nucleotide position 1256, causing a translational frameshift with a predicted alternate stop codon (p.D420Rfs*2). This alteration is expected to result in loss of function by premature protein truncation or nonsense-mediated mRNA decay. As such, this alteration is interpreted as a disease-causing mutation.

Literature cited by the submitters: PubMed 20104584 (cited by Labcorp Genetics (formerly Invitae), Labcorp).

NM_007294.4(BRCA1):c.1256dup (p.Asp420fs)

Gene: BRCA1 (BRCA1 DNA repair associated; minus strand). Cytogenetic location: 17q21.31.
Variant type: Duplication.
Coding change: c.1256dup on transcript NM_007294.4 (MANE Select); coding-DNA position 1256, one base duplicated (T; older notation c.1256dupT).
Protein change: p.Asp420fs; shifts the reading frame from aspartic acid 420.
Molecular consequence: frameshift variant. On other transcripts: intron variant (137).
Genome position (GRCh38, 1-based): chr17:43,094,275, A duplicated on the plus strand (T on the coding strand, the reverse complement: BRCA1 is on the minus strand). VCF-style (leftmost placement, unchanged base first): chr17-43094274-T-TA. GRCh37 (hg19) VCF-style: chr17-41246291-T-TA.
Other names: c.1256dupT (NM_007294.3); c.1115dup, p.Asp373fs (NM_001407736.1, NM_001407737.1, NM_001407738.1 and 29 more transcripts); c.1112dup, p.Asp372fs (NM_001407740.1, NM_001407741.1, NM_001407742.1 and 20 more transcripts); c.1043dup, p.Asp349fs (NM_001407853.1, NM_001407894.1, NM_001407895.1 and 9 more transcripts); c.1256dup, p.Asp420fs (NM_001407854.1, NM_001407858.1, NM_001407859.1 and 30 more transcripts); c.1253dup, p.Asp419fs (NM_001407860.1, NM_001407861.1, NM_001407587.1 and 22 more transcripts); c.1055dup, p.Asp353fs (NM_001407862.1); c.1133dup, p.Asp379fs (NM_001407863.1, NM_001407919.1, NM_001407937.1 and 19 more transcripts); and 41 more; short protein forms D373fs, D420fs, D293fs, D331fs, D394fs, D419fs, D252fs, D308fs.
Identifiers: ClinVar variation 186634 (VCV000186634.9), dbSNP rs786203103, ClinGen allele CA195393.